The following is an entry in ClinVar:

NM_144670.6(A2ML1):c.2231T>C (p.Ile744Thr)

Gene: A2ML1 (alpha-2-macroglobulin like 1; plus strand). Cytogenetic location: 12p13.31.
Variant type: single nucleotide variant.
Coding change: c.2231T>C on transcript NM_144670.6 (MANE Select); coding-DNA position 2231, T replaced by C.
Protein change: p.Ile744Thr; replaces isoleucine 744 with threonine.
Molecular consequence: missense variant.
Genome position (GRCh38, 1-based): chr12:8,850,271, T>C. VCF-style: chr12-8850271-T-C. GRCh37 (hg19) VCF-style: chr12-9002867-T-C.
Other names: c.758T>C, p.Ile253Thr (NM_001282424.3); short protein forms I744T, I253T.
Identifiers: ClinVar variation 406198 (VCV000406198.8), dbSNP rs376655036, ClinGen allele CA6435941.

ClinVar aggregate classification (germline): Uncertain significance. Review status: criteria provided, multiple submitters, no conflicts (2 of 4 stars). 2 submissions from 2 submitters: Uncertain significance (2). Last evaluated 2025-03-18.

Allele frequency attached by ClinVar (database versions not stated): gnomAD exomes 0.00004 and 0.00006; ExAC 0.00005; gnomAD 0.00006; TOPMed 0.00006; ESP Exome Variant Server 0.00008.
gnomAD v4.1: 98 of 1,609,650 alleles (0.0061%); highest among the groups gnomAD compares: Non-Finnish European, 0.0077%; no homozygotes.

Submissions (2):

Labcorp Genetics (formerly Invitae), Labcorp
Classification: Uncertain significance. Last evaluated: 2025-03-18. Review status: criteria provided, single submitter. Criteria: Invitae Variant Classification Sherloc (09022015). Collection method: clinical testing. Allele origin: germline.
Comment: This sequence change replaces isoleucine, which is neutral and non-polar, with threonine, which is neutral and polar, at codon 744 of the A2ML1 protein (p.Ile744Thr). This variant is present in population databases (rs376655036, gnomAD 0.01%). This missense change has been observed in individual(s) with a neurodevelopment disorder (PMID: 35904599). ClinVar contains an entry for this variant (Variation ID: 406198). An algorithm developed to predict the effect of missense changes on protein structure and function (PolyPhen-2) suggests that this variant is likely to be tolerated. In summary, the available evidence is currently insufficient to determine the role of this variant in disease. Therefore, it has been classified as a Variant of Uncertain Significance.

GeneDx
Classification: Uncertain significance. Last evaluated: 2017-10-12. Review status: criteria provided, single submitter. Criteria: GeneDx Variant Classification (06012015). Collection method: clinical testing. Allele origin: germline. Affected: yes.
Comment: The I744T variant has not been published as a pathogenic variant, nor has it been reported as a benign variant to our knowledge. This variant is observed in 2/18542 (0.011%) alleles from individuals of East Asian background in the ExAC dataset (Lek et al., 2016). I744T is a non-conservative amino acid substitution, which is likely to impact secondary protein structure as these residues differ in polarity, charge, size and/or other properties. This substitution occurs at a position that is conserved in mammals, yet in silico analysis is inconsistent in its predictions as to whether or not the variant is damaging to the protein structure/function. In summary, based on the currently available information, it is unclear whether this variant is pathogenic or a rare benign variant.

Literature cited by the submitters: PubMed 35904599 (cited by Labcorp Genetics (formerly Invitae), Labcorp).